The following is an entry in ClinVar:

ClinVar aggregate classification (germline): Uncertain significance (1 of 4 stars; one submission).

Allele frequency attached by ClinVar (database versions not stated): gnomAD exomes below 0.00001.
gnomAD v4.1: 1 of 1,614,080 alleles (0.000062%); highest among the groups gnomAD compares: Non-Finnish European, 0.000085%; no homozygotes.

Submission:

Labcorp Genetics (formerly Invitae), Labcorp
Classification: Uncertain significance. Last evaluated: 2022-07-30. Review status: criteria provided, single submitter. Criteria: Invitae Variant Classification Sherloc (09022015). Collection method: clinical testing. Allele origin: germline.
Comment: In summary, the available evidence is currently insufficient to determine the role of this variant in disease. Therefore, it has been classified as a Variant of Uncertain Significance. Algorithms developed to predict the effect of missense changes on protein structure and function output the following: SIFT: "Tolerated"; PolyPhen-2: "Benign"; Align-GVGD: "Class C0". The isoleucine amino acid residue is found in multiple mammalian species, which suggests that this missense change does not adversely affect protein function. This variant has not been reported in the literature in individuals affected with C8A-related conditions. This variant is not present in population databases (gnomAD no frequency). This sequence change replaces valine, which is neutral and non-polar, with isoleucine, which is neutral and non-polar, at codon 390 of the C8A protein (p.Val390Ile).

NM_000562.3(C8A):c.1168G>A (p.Val390Ile)

Gene: C8A (complement C8 alpha chain; plus strand). Cytogenetic location: 1p32.2.
Variant type: single nucleotide variant.
Coding change: c.1168G>A on transcript NM_000562.3 (MANE Select); coding-DNA position 1168, G replaced by A.
Protein change: p.Val390Ile; replaces valine 390 with isoleucine.
Molecular consequence: missense variant.
Genome position (GRCh38, 1-based): chr1:56,906,738, G>A. VCF-style: chr1-56906738-G-A. GRCh37 (hg19) VCF-style: chr1-57372411-G-A.
Other names: short protein forms V390I.
Identifiers: ClinVar variation 2173696 (VCV002173696.4), dbSNP rs2522605003, ClinGen allele CA340512340.